The following is an entry in ClinVar:

NM_003242.6(TGFBR2):c.826G>A (p.Val276Ile)

Gene: TGFBR2 (transforming growth factor beta receptor 2; plus strand). Cytogenetic location: 3p24.1.
Variant type: single nucleotide variant.
Coding change: c.826G>A on transcript NM_003242.6 (MANE Select); coding-DNA position 826, G replaced by A.
Protein change: p.Val276Ile; replaces valine 276 with isoleucine.
Molecular consequence: missense variant. On other transcripts: intron variant (1).
Genome position (GRCh38, 1-based): chr3:30,672,009, G>A. VCF-style: chr3-30672009-G-A. GRCh37 (hg19) VCF-style: chr3-30713501-G-A.
Other names: c.826G>A (NM_003242.5); c.901G>A, p.Val301Ile (NM_001024847.3); c.1009G>A, p.Val337Ile (NM_001407126.1); c.934G>A, p.Val312Ile (NM_001407127.1); c.853G>A, p.Val285Ile (NM_001407128.1); c.829G>A, p.Val277Ile (NM_001407129.1); c.826G>A, p.Val276Ile (NM_001407130.1); c.721G>A, p.Val241Ile (NM_001407132.1, NM_001407133.1, NM_001407134.1 and 2 more transcripts); and 3 more; short protein forms V156I, V181I, V241I, V276I, V277I, V285I, V301I, V312I.
Identifiers: ClinVar variation 4756555 (VCV004756555.2).

ClinVar aggregate classification (germline): Uncertain significance. Review status: criteria provided, multiple submitters, no conflicts (2 of 4 stars). 2 submissions from 2 submitters: Uncertain significance (2). Last evaluated 2026-06-06.

Conditions:
Familial thoracic aortic aneurysm and aortic dissection (TAAD). Also called: Thoracic aortic aneurysms and dissections. Identifiers: Orphanet 91387, MedGen C4707243, MONDO:0019625.

Submissions (2):

Ambry Genetics
Classification: Uncertain significance for Familial thoracic aortic aneurysm and aortic dissection. Last evaluated: 2026-06-06. Review status: criteria provided, single submitter. Criteria: Ambry Variant Classification Scheme 2023. Collection method: clinical testing. Allele origin: germline.
Comment: The p.V276I variant (also known as c.826G>A), located in coding exon 4 of the TGFBR2 gene, results from a G to A substitution at nucleotide position 826. The valine at codon 276 is replaced by isoleucine, an amino acid with highly similar properties. This amino acid position is conserved. In addition, the in silico prediction for this alteration is inconclusive. Based on the available evidence, the clinical significance of this variant remains unclear.

Color Diagnostics, LLC DBA Color Health
Classification: Uncertain significance for Familial thoracic aortic aneurysm and aortic dissection. Last evaluated: 2025-09-22. Review status: criteria provided, single submitter. Criteria: ACMG Guidelines, 2015. Collection method: clinical testing. Allele origin: germline.
Comment: This missense variant replaces valine with isoleucine at codon 276 of the TGFBR2 protein. Computational prediction suggests that this variant may not impact protein structure and function. To our knowledge, functional studies have not been reported for this variant. This variant has not been reported in individuals affected with TGFBR2-related disorders in the literature. This variant has not been identified in the general population by the Genome Aggregation Database (gnomAD). The available evidence is insufficient to determine the role of this variant in disease conclusively. Therefore, this variant is classified as a Variant of Uncertain Significance.